The following is an entry in ClinVar:

NM_033380.3(COL4A5):c.4016-1G>A

Gene: COL4A5 (collagen type IV alpha 5 chain; plus strand). Cytogenetic location: Xq22.3.
Variant type: single nucleotide variant.
Coding change: c.4016-1G>A on transcript NM_033380.3 (MANE Select); the canonical splice acceptor site of the intron before coding-DNA position 4016, G replaced by A.
Molecular consequence: splice acceptor variant.
Genome position (GRCh38, 1-based): chrX:108,680,884, G>A. VCF-style: chrX-108680884-G-A. GRCh37 (hg19) VCF-style: chrX-107924114-G-A.
Other names: c.3998-1G>A (NM_000495.5).
Identifiers: ClinVar variation 209142 (VCV000209142.3), dbSNP rs797045035, ClinGen allele CA276135.

ClinVar aggregate classification (germline): Pathogenic/Likely pathogenic. Review status: criteria provided, multiple submitters, no conflicts (2 of 4 stars). 2 submissions from 2 submitters: Pathogenic (1); Likely pathogenic (1). Last evaluated 2024-01-03.

Conditions:
X-linked Alport syndrome (ATS1). Also called: NEPHROPATHY AND DEAFNESS, X-LINKED; COL4A5-Related Nephropathy. Identifiers: Orphanet 63, Orphanet 88917, MedGen C4746986, MONDO:0010520, OMIM 301050.

Submissions (2):

Fulgent Genetics
Classification: Likely pathogenic for X-linked Alport syndrome. Last evaluated: 2024-01-03. Review status: criteria provided, single submitter. Criteria: ACMG Guidelines, 2015. Collection method: clinical testing. Allele origin: germline.

Baylor Genetics
Classification: Pathogenic for Alport syndrome, X-linked recessive. Last evaluated: 2012-11-30. Review status: criteria provided, single submitter. Criteria: Yang et al. 2013. Collection method: clinical testing. Allele origin: germline. Inheritance: X-linked inheritance. Affected: yes. Observed: 1 variant allele, 1 heterozygote. Study: Adult_WES.

Literature cited by the submitters: PubMed 26633545 (cited by Baylor Genetics); PubMed 17660027 (cited by Baylor Genetics).